The following is an entry in ClinVar:

ClinVar aggregate classification (germline): Uncertain significance (1 of 4 stars; one submission).

gnomAD v4.1: 1 of 1,614,170 alleles (0.000062%); highest among the groups gnomAD compares: East Asian, 0.0022%; no homozygotes.

Submission:

Labcorp Genetics (formerly Invitae), Labcorp
Classification: Uncertain significance. Last evaluated: 2021-10-13. Review status: criteria provided, single submitter. Criteria: Invitae Variant Classification Sherloc (09022015). Collection method: clinical testing. Allele origin: germline.
Comment: This sequence change replaces lysine with asparagine at codon 1943 of the TECTA protein (p.Lys1943Asn). The lysine residue is highly conserved and there is a moderate physicochemical difference between lysine and asparagine. This variant is not present in population databases (ExAC no frequency). This variant has not been reported in the literature in individuals affected with TECTA-related conditions. Algorithms developed to predict the effect of missense changes on protein structure and function (SIFT, PolyPhen-2, Align-GVGD) all suggest that this variant is likely to be disruptive. In summary, the available evidence is currently insufficient to determine the role of this variant in disease. Therefore, it has been classified as a Variant of Uncertain Significance.

NM_005422.4(TECTA):c.5829A>T (p.Lys1943Asn)

Genes: TBCEL-TECTA (TBCEL-TECTA readthrough; plus strand), TECTA (tectorin alpha; plus strand). Cytogenetic location: 11q23.3.
Variant type: single nucleotide variant.
Coding change: c.5829A>T on transcript NM_005422.4 (MANE Select); coding-DNA position 5829, A replaced by T.
Protein change: p.Lys1943Asn; replaces lysine 1943 with asparagine.
Molecular consequence: missense variant.
Genome position (GRCh38, 1-based): chr11:121,168,755, A>T. VCF-style: chr11-121168755-A-T. GRCh37 (hg19) VCF-style: chr11-121039464-A-T.
Other names: c.6771A>T, p.Lys2257Asn (NM_001378761.1); short protein forms K2257N, K1943N.
Identifiers: ClinVar variation 1471145 (VCV001471145.6), dbSNP rs879251219, ClinGen allele CA383036726.